The following is an entry in ClinVar:

ClinVar aggregate classification (germline): Benign (0 of 4 stars; one submission).

Conditions:
EPPK1-related disorder. Also called: EPPK1-related condition.

Allele frequency attached by ClinVar (database versions not stated): ExAC 0.16609.

Submission:

PreventionGenetics, part of Exact Sciences
Classification: Benign for EPPK1-related condition. Last evaluated: 2021-04-14. Review status: no assertion criteria provided. Collection method: clinical testing. Allele origin: germline.
Comment: This variant is classified as benign based on ACMG/AMP sequence variant interpretation guidelines (Richards et al. 2015 PMID: 25741868, with internal and published modifications).

NM_031308.4(EPPK1):c.6642_6643insT (p.Arg2215fs)

Gene: EPPK1 (epiplakin 1; minus strand). Cytogenetic location: 8q24.3.
Variant type: Insertion.
Coding change: c.6642_6643insT on transcript NM_031308.4 (MANE Select); coding-DNA positions 6642 to 6643, T inserted.
Protein change: p.Arg2215fs; shifts the reading frame from arginine 2215.
Molecular consequence: frameshift variant.
Genome position: GRCh38 VCF-style: chr8-143866611-G-GA. GRCh37 (hg19) VCF-style: chr8-144940779-G-GA.
Other names: short protein forms R2215fs.
Identifiers: ClinVar variation 3035315 (VCV003035315.2), dbSNP rs781964811, ClinGen allele CA4921614.
Genomic context (GRCh38, chr8:143,866,611, plus strand): 5'-CCTTGGCGGGCACCAGGACGCCCGCGATGCAGCTGGTGCCCTCCAGGTAGCGCTTGACGC[G>GA]GTCGTCCTCCATGAGCTCTTGCGTCGTGCTCCGTCCCGTTTCCAGGTCCTGGAGCATTTC-3'